The following is an entry in ClinVar:

ClinVar aggregate classification (germline): Uncertain significance (1 of 4 stars; one submission).

Conditions:
Hereditary cancer-predisposing syndrome. Also called: Hereditary Cancer Syndrome; Tumor predisposition; Hereditary neoplastic syndrome; Neoplastic Syndromes, Hereditary. Identifiers: Orphanet 140162, MedGen C0027672, MeSH D009386, MONDO:0015356.

Submission:

Ambry Genetics
Classification: Uncertain significance for Hereditary cancer-predisposing syndrome. Last evaluated: 2024-11-10. Review status: criteria provided, single submitter. Criteria: Ambry Variant Classification Scheme 2023. Collection method: clinical testing. Allele origin: germline.
Comment: The p.T493I variant (also known as c.1478C>T), located in coding exon 11 of the NBN gene, results from a C to T substitution at nucleotide position 1478. The threonine at codon 493 is replaced by isoleucine, an amino acid with similar properties. This amino acid position is conserved. In addition, this alteration is predicted to be tolerated by in silico analysis. Based on the available evidence, the clinical significance of this variant remains unclear.

NM_002485.5(NBN):c.1478C>T (p.Thr493Ile)

Gene: NBN (nibrin; minus strand). Cytogenetic location: 8q21.3.
Variant type: single nucleotide variant.
Coding change: c.1478C>T on transcript NM_002485.5 (MANE Select); coding-DNA position 1478, C replaced by T.
Protein change: p.Thr493Ile; replaces threonine 493 with isoleucine.
Molecular consequence: missense variant.
Genome position (GRCh38, 1-based): chr8:89,953,611, G>A on the plus strand (C>T on the coding strand, the complement: NBN is on the minus strand). VCF-style: chr8-89953611-G-A. GRCh37 (hg19) VCF-style: chr8-90965839-G-A.
Other names: c.1232C>T, p.Thr411Ile (NM_001024688.3); short protein forms T493I, T411I.
Identifiers: ClinVar variation 3403076 (VCV003403076.1).